The following is an entry in ClinVar:

NM_198576.4(AGRN):c.2536+4A>G

Gene: AGRN (agrin; plus strand). Cytogenetic location: 1p36.33.
Variant type: single nucleotide variant.
Coding change: c.2536+4A>G on transcript NM_198576.4 (MANE Select); 4 bases into the intron after coding-DNA position 2536, A replaced by G.
Molecular consequence: intron variant.
Genome position (GRCh38, 1-based): chr1:1,045,527, A>G. VCF-style: chr1-1045527-A-G. GRCh37 (hg19) VCF-style: chr1-980907-A-G.
Other names: c.2536+4A>G (NM_001305275.2); c.2221+4A>G (NM_001364727.2).
Identifiers: ClinVar variation 642838 (VCV000642838.6), dbSNP rs772478233, ClinGen allele CA508663.

ClinVar aggregate classification (germline): Uncertain significance (1 of 4 stars; one submission).

Conditions:
Congenital myasthenic syndrome 8. Also called: MYASTHENIC SYNDROME, CONGENITAL, DUE TO AGRIN DEFICIENCY; Myasthenic syndrome, congenital, 8, with pre- and postsynaptic defects. Identifiers: Orphanet 590, MedGen C3808739, MONDO:0014052, OMIM 615120.

Allele frequency attached by ClinVar (database versions not stated): gnomAD exomes below 0.00001; ExAC 0.00001.
gnomAD v4.1: 2 of 1,612,522 alleles (0.00012%); highest among the groups gnomAD compares: African/African-American, 0.0027%; no homozygotes.

Submission:

Labcorp Genetics (formerly Invitae), Labcorp
Classification: Uncertain significance for Congenital myasthenic syndrome 8. Last evaluated: 2022-07-26. Review status: criteria provided, single submitter. Criteria: Invitae Variant Classification Sherloc (09022015). Collection method: clinical testing. Allele origin: germline.
Comment: ClinVar contains an entry for this variant (Variation ID: 642838). This variant has not been reported in the literature in individuals affected with AGRN-related conditions. This variant is present in population databases (rs772478233, gnomAD 0.007%). This sequence change falls in intron 14 of the AGRN gene. It does not directly change the encoded amino acid sequence of the AGRN protein. It affects a nucleotide within the consensus splice site. Variants that disrupt the consensus splice site are a relatively common cause of aberrant splicing (PMID: 17576681, 9536098). Algorithms developed to predict the effect of sequence changes on RNA splicing suggest that this variant may create or strengthen a splice site. In summary, the available evidence is currently insufficient to determine the role of this variant in disease. Therefore, it has been classified as a Variant of Uncertain Significance.

Literature cited by the submitters: PubMed 17576681; PubMed 9536098.